The following is an entry in ClinVar:

ClinVar aggregate classification (germline): Benign/Likely benign. Review status: criteria provided, multiple submitters, no conflicts (2 of 4 stars). 24 submissions from 17 submitters: Benign (15); Likely benign (5). 4 of the submissions do not count toward it. Last evaluated 2026-02-03.

Conditions:
Dilated cardiomyopathy 1G (CMD1G). Identifiers: Orphanet 154, MedGen C1858763, MONDO:0011400, OMIM 604145.
Autosomal recessive limb-girdle muscular dystrophy type 2J (LGMDR10). Also called: MUSCULAR DYSTROPHY, LIMB-GIRDLE, AUTOSOMAL RECESSIVE 10; Limb-girdle muscular dystrophy, type 2J. Identifiers: Orphanet 140922, MedGen C1837342, MONDO:0012127, OMIM 608807.
TTN-related disorder. Also called: TTN-related disorders; TTN-related condition; TTN-related disease.
Cardiomyopathy (CMYO). Also called: Cardiomyopathies. Identifiers: Orphanet 167848, MedGen C0878544, MONDO:0004994, HP:0001638. Inheritance: Various modes of inheritance.
Early-onset myopathy with fatal cardiomyopathy (CMYO5). Also called: CONGENITAL MYOPATHY 5 WITH CARDIOMYOPATHY; Salih Myopathy. Identifiers: Orphanet 289377, MedGen C2673677, MONDO:0012714, OMIM 611705. Disease mechanism: loss of function.
Myopathy, myofibrillar, 9, with early respiratory failure (MFM9). Also called: Myopathy, distal, with early respiratory failure, autosomal dominant; Hereditary myopathy with early respiratory failure; MYOPATHY, PROXIMAL, WITH EARLY RESPIRATORY MUSCLE INVOLVEMENT; EDSTROM MYOPATHY. Identifiers: Orphanet 178464, Orphanet 34521, MedGen C1863599, MONDO:0011362, OMIM 603689.
Tibial muscular dystrophy (TMD). Also called: Udd Distal Myopathy – Tibial Muscular Dystrophy; Tibial muscular dystrophy, tardive; UDD MYOPATHY. Identifiers: Orphanet 609, MedGen C1838244, MONDO:0010870, OMIM 600334.

Allele frequency attached by ClinVar (database versions not stated): gnomAD exomes 0.00125 and 0.00052; TOPMed 0.00590; gnomAD 0.00497 and 0.00535; ExAC 0.00147; 1000 Genomes Project 0.00439; 1000 Genomes Project 30x 0.00468; ESP Exome Variant Server 0.00532.
gnomAD v4.1: 1,580 of 1,610,488 alleles (0.098%); highest among the groups gnomAD compares: African/African-American, 1.7%; 17 homozygotes.

Submissions (24):

Labcorp Genetics (formerly Invitae), Labcorp
Classification: Benign for Dilated cardiomyopathy 1G; Autosomal recessive limb-girdle muscular dystrophy type 2J. Last evaluated: 2026-02-03. Review status: criteria provided, single submitter. Criteria: Invitae Variant Classification Sherloc (09022015). Collection method: clinical testing. Allele origin: germline.

ARUP Laboratories, Molecular Genetics and Genomics, ARUP Laboratories
Classification: Benign. Last evaluated: 2025-05-20. Review status: criteria provided, single submitter. Criteria: ARUP Molecular Germline Variant Investigation Process 2024. Collection method: clinical testing. Allele origin: germline.

Molecular Diagnostic Laboratory for Inherited Cardiovascular Disease, Montreal Heart Institute
Classification: Benign. Last evaluated: 2025-04-09. Review status: criteria provided, single submitter. Criteria: ACMG Guidelines, 2015. Collection method: clinical testing. Allele origin: germline. Affected: no.

Blueprint Genetics
Classification: Likely benign. Last evaluated: 2024-11-26. Review status: criteria provided, single submitter. Criteria: ACMG Guidelines, 2015. Collection method: clinical testing. Allele origin: germline.

Genome-Nilou Lab
Classification: Benign for Autosomal recessive limb-girdle muscular dystrophy type 2J. Last evaluated: 2021-09-10. Review status: criteria provided, single submitter. Criteria: ACMG Guidelines, 2015. Collection method: clinical testing. Allele origin: germline. Affected: no.

Genome-Nilou Lab
Classification: Benign for Myopathy, myofibrillar, 9, with early respiratory failure. Last evaluated: 2021-09-10. Review status: criteria provided, single submitter. Criteria: ACMG Guidelines, 2015. Collection method: clinical testing. Allele origin: germline. Affected: no.

Genome-Nilou Lab
Classification: Benign for Early-onset myopathy with fatal cardiomyopathy. Last evaluated: 2021-09-10. Review status: criteria provided, single submitter. Criteria: ACMG Guidelines, 2015. Collection method: clinical testing. Allele origin: germline. Affected: no.

Genome-Nilou Lab
Classification: Benign for Tibial muscular dystrophy. Last evaluated: 2021-09-10. Review status: criteria provided, single submitter. Criteria: ACMG Guidelines, 2015. Collection method: clinical testing. Allele origin: germline. Affected: no.

Women's Health and Genetics/Laboratory Corporation of America, LabCorp
Classification: Benign. Last evaluated: 2019-10-30. Review status: criteria provided, single submitter. Criteria: LabCorp Variant Classification Summary - May 2015. Collection method: clinical testing. Allele origin: germline.
Comment: Variant summary: TTN c.34320+6T>C alters a conserved nucleotide located close to a canonical splice site and therefore could affect mRNA splicing, leading to a significantly altered protein sequence. Several computational tools predict a significant impact on normal splicing: two predict the variant abolishes a 5' splicing donor site; one predicts the variant weakens a 5' splicing donor site. However, these predictions have yet to be confirmed by functional studies. The variant allele was found at a frequency of 0.0013 in 245924 control chromosomes, predominantly at a frequency of 0.014 within the African or African-American subpopulation in the gnomAD database, including 1 homozygotes. The observed variant frequency within African or African-American control individuals in the gnomAD database is approximately 22 fold of the estimated maximal expected allele frequency for a pathogenic variant in TTN causing Cardiomyopathy phenotype (0.00063), strongly suggesting that the variant is a benign polymorphism found primarily in populations of African or African-American origin. To our knowledge, no occurrence of c.34320+6T>C in individuals affected with Cardiomyopathy and no experimental evidence demonstrating its impact on protein function have been reported. Three clinical diagnostic laboratories have submitted clinical-significance assessments for this variant to ClinVar after 2014 without evidence for independent evaluation. All laboratories classified the variant as benign. Based on the evidence outlined above, the variant was classified as benign.

Illumina Laboratory Services, Illumina
Classification: Benign for Myopathy, myofibrillar, 9, with early respiratory failure. Last evaluated: 2018-01-13. Review status: criteria provided, single submitter. Criteria: ICSL Variant Classification Criteria 13 December 2019. Collection method: clinical testing. Allele origin: germline.
Comment: This variant was observed in the ICSL laboratory as part of a predisposition screen in an ostensibly healthy population. It had not been previously curated by ICSL or reported in the Human Gene Mutation Database (HGMD: prior to June 1st, 2018), and was therefore a candidate for classification through an automated scoring system. Utilizing variant allele frequency, disease prevalence and penetrance estimates, and inheritance mode, an automated score was calculated to assess if this variant is too frequent to cause the disease. Based on the score and internal cut-off values, a variant classified as benign is not then subjected to further curation. The score for this variant resulted in a classification of benign for this disease.

Illumina Laboratory Services, Illumina
Classification: Likely benign for Dilated cardiomyopathy 1G. Last evaluated: 2018-01-13. Review status: criteria provided, single submitter. Criteria: ICSL Variant Classification Criteria 13 December 2019. Collection method: clinical testing. Allele origin: germline.
Comment: This variant was observed in the ICSL laboratory as part of a predisposition screen in an ostensibly healthy population. It had not been previously curated by ICSL or reported in the Human Gene Mutation Database (HGMD: prior to June 1st, 2018), and was therefore a candidate for classification through an automated scoring system. Utilizing variant allele frequency, disease prevalence and penetrance estimates, and inheritance mode, an automated score was calculated to assess if this variant is too frequent to cause the disease. Based on the score and internal cut-off values, a variant classified as likely benign is not then subjected to further curation. The score for this variant resulted in a classification of likely benign for this disease.

Illumina Laboratory Services, Illumina
Classification: Likely benign for Early-onset myopathy with fatal cardiomyopathy. Last evaluated: 2018-01-13. Review status: criteria provided, single submitter. Criteria: ICSL Variant Classification Criteria 13 December 2019. Collection method: clinical testing. Allele origin: germline.
Comment: the same text as in the submission from Illumina Laboratory Services, Illumina above.

Illumina Laboratory Services, Illumina
Classification: Likely benign for Autosomal recessive limb-girdle muscular dystrophy type 2J. Last evaluated: 2018-01-13. Review status: criteria provided, single submitter. Criteria: ICSL Variant Classification Criteria 13 December 2019. Collection method: clinical testing. Allele origin: germline.
Comment: the same text as in the submission from Illumina Laboratory Services, Illumina above.

Illumina Laboratory Services, Illumina
Classification: Benign for Tibial muscular dystrophy. Last evaluated: 2018-01-13. Review status: criteria provided, single submitter. Criteria: ICSL Variant Classification Criteria 13 December 2019. Collection method: clinical testing. Allele origin: germline.
Comment: the same text as in the submission from Illumina Laboratory Services, Illumina above.

CHEO Genetics Diagnostic Laboratory, Children's Hospital of Eastern Ontario
Classification: Benign for Cardiomyopathy. Last evaluated: 2017-10-17. Review status: criteria provided, single submitter. Criteria: ACMG Guidelines, 2015. Collection method: clinical testing. Allele origin: germline. Study: Canadian Open Genetics Repository.

Athena Diagnostics
Classification: Benign. Last evaluated: 2017-04-21. Review status: criteria provided, single submitter. Criteria: Athena Diagnostics Criteria. Collection method: clinical testing. Allele origin: germline.

Genetic Services Laboratory, University of Chicago
Classification: Benign. Last evaluated: 2014-08-14. Review status: criteria provided, single submitter. Criteria: ACMG Guidelines, 2015. Collection method: clinical testing. Allele origin: germline.

GeneDx
Classification: Benign. Last evaluated: 2014-05-01. Review status: criteria provided, single submitter. Criteria: GeneDx Variant Classification (06012015). Collection method: clinical testing. Allele origin: germline. Affected: yes.
Comment: This variant is considered likely benign or benign based on one or more of the following criteria: it is a conservative change, it occurs at a poorly conserved position in the protein, it is predicted to be benign by multiple in silico algorithms, and/or has population frequency not consistent with disease.

Laboratory for Molecular Medicine, Mass General Brigham Personalized Medicine
Classification: Benign. Last evaluated: 2012-03-02. Review status: criteria provided, single submitter. Criteria: LMM Criteria. Collection method: clinical testing. Allele origin: germline. Observed: 17 variant alleles.
Comment: 34320+6T>C in intron 177 of TTN: This variant is not expected to have clinical s ignificance because it has been identified in 1.5% (44/2980) of African American chromosomes from a broad population by the NHLBI Exome Sequencing Project (dbSNP rs140002940).

Breakthrough Genomics
Classification: Likely benign. Review status: criteria provided, single submitter. Criteria: ACMG Guidelines, 2015. Collection method: not provided. Allele origin: germline. Inheritance: Autosomal recessive inheritance. Affected: yes.

PreventionGenetics, part of Exact Sciences
Classification: Benign for TTN-related condition. Last evaluated: 2019-05-29. Review status: no assertion criteria provided. Collection method: clinical testing. Allele origin: germline. Not counted in ClinVar's aggregate classification.
Comment: This variant is classified as benign based on ACMG/AMP sequence variant interpretation guidelines (Richards et al. 2015 PMID: 25741868, with internal and published modifications).

Clinical Genetics DNA and cytogenetics Diagnostics Lab, Erasmus MC, Erasmus Medical Center
Classification: Benign. Review status: no assertion criteria provided. Collection method: clinical testing. Allele origin: germline. Affected: yes. Study: VKGL Data-share Consensus. Not counted in ClinVar's aggregate classification.

Clinical Genetics, Academic Medical Center
Classification: Likely benign. Review status: no assertion criteria provided. Collection method: clinical testing. Allele origin: germline. Affected: yes. Study: VKGL Data-share Consensus. Not counted in ClinVar's aggregate classification.

Laboratory of Diagnostic Genome Analysis, Leiden University Medical Center (LUMC)
Classification: Likely benign. Review status: no assertion criteria provided. Collection method: clinical testing. Allele origin: germline. Affected: yes. Study: VKGL Data-share Consensus. Not counted in ClinVar's aggregate classification.

NM_001267550.2(TTN):c.42024+6T>C

Gene: TTN (titin; minus strand). Cytogenetic location: 2q31.2.
Variant type: single nucleotide variant.
Coding change: c.42024+6T>C on transcript NM_001267550.2 (MANE Select); 6 bases into the intron after coding-DNA position 42024, T replaced by C.
Molecular consequence: intron variant.
Genome position (GRCh38, 1-based): chr2:178,635,159, A>G on the plus strand (T>C on the coding strand, the complement: TTN is on the minus strand). VCF-style: chr2-178635159-A-G. GRCh37 (hg19) VCF-style: chr2-179499886-A-G.
Other names: c.14829+6T>C (NM_003319.4); c.15405+6T>C (NM_133437.4); c.15204+6T>C (NM_133432.3); c.34320+6T>C (NM_133378.4); c.37101+6T>C (NM_001256850.1).
Identifiers: ClinVar variation 46951 (VCV000046951.47), dbSNP rs140002940, ClinGen allele CA283208.